The following is an entry in ClinVar:

ClinVar aggregate classification (germline): Uncertain significance. Review status: criteria provided, multiple submitters, no conflicts (2 of 4 stars). 2 submissions from 2 submitters: Uncertain significance (2). Last evaluated 2025-02-24.

Allele frequency attached by ClinVar (database versions not stated): gnomAD 0.00001; gnomAD exomes 0.00001; TOPMed 0.00001.
gnomAD v4.1: 62 of 1,614,074 alleles (0.0038%); highest among the groups gnomAD compares: Non-Finnish European, 0.0053%; no homozygotes.

Submissions (2):

Ambry Genetics
Classification: Uncertain significance. Last evaluated: 2025-02-24. Review status: criteria provided, single submitter. Criteria: Ambry Variant Classification Scheme 2023. Collection method: clinical testing. Allele origin: germline.

Labcorp Genetics (formerly Invitae), Labcorp
Classification: Uncertain significance. Last evaluated: 2021-11-13. Review status: criteria provided, single submitter. Criteria: Invitae Variant Classification Sherloc (09022015). Collection method: clinical testing. Allele origin: germline.
Comment: In summary, the available evidence is currently insufficient to determine the role of this variant in disease. Therefore, it has been classified as a Variant of Uncertain Significance. Algorithms developed to predict the effect of missense changes on protein structure and function (SIFT, PolyPhen-2, Align-GVGD) all suggest that this variant is likely to be tolerated. This variant has not been reported in the literature in individuals affected with NUP133-related conditions. This variant is present in population databases (no rsID available, gnomAD 0.002%). This sequence change replaces valine, which is neutral and non-polar, with leucine, which is neutral and non-polar, at codon 788 of the NUP133 protein (p.Val788Leu).

NM_018230.3(NUP133):c.2362G>T (p.Val788Leu)

Gene: NUP133 (nucleoporin 133; minus strand). Cytogenetic location: 1q42.13.
Variant type: single nucleotide variant.
Coding change: c.2362G>T on transcript NM_018230.3 (MANE Select); coding-DNA position 2362, G replaced by T.
Protein change: p.Val788Leu; replaces valine 788 with leucine.
Molecular consequence: missense variant.
Genome position (GRCh38, 1-based): chr1:229,464,813, C>A on the plus strand (G>T on the coding strand, the complement: NUP133 is on the minus strand). VCF-style: chr1-229464813-C-A. GRCh37 (hg19) VCF-style: chr1-229600560-C-A.
Other names: c.2362G>T (NM_018230.2); short protein forms V788L.
Identifiers: ClinVar variation 1352523 (VCV001352523.7), dbSNP rs986718077, ClinGen allele CA38790035.